The following is an entry in ClinVar:

ClinVar aggregate classification (germline): Pathogenic (1 of 4 stars; one submission).

Conditions:
Fucosidosis. Also called: ALPHA-L-FUCOSIDASE DEFICIENCY. Identifiers: Orphanet 349, MedGen C0016788, MONDO:0009254, OMIM 230000.

Submission:

Labcorp Genetics (formerly Invitae), Labcorp
Classification: Pathogenic for Fucosidosis. Last evaluated: 2023-06-11. Review status: criteria provided, single submitter. Criteria: Invitae Variant Classification Sherloc (09022015). Collection method: clinical testing. Allele origin: germline.
Comment: This variant has not been reported in the literature in individuals affected with FUCA1-related conditions. This sequence change creates a premature translational stop signal (p.Gln378*) in the FUCA1 gene. It is expected to result in an absent or disrupted protein product. Loss-of-function variants in FUCA1 are known to be pathogenic (PMID: 10094192). Information on the frequency of this variant in the gnomAD database is not available, as this variant may be reported differently in the database. For these reasons, this variant has been classified as Pathogenic.

Literature cited by the submitters: PubMed 10094192.

NM_000147.5(FUCA1):c.1131_1132delinsTT (p.Gln378Ter)

Gene: FUCA1 (alpha-L-fucosidase 1; minus strand). Cytogenetic location: 1p36.11.
Variant type: Indel.
Coding change: c.1131_1132delinsTT on transcript NM_000147.5 (MANE Select); coding-DNA positions 1131 to 1132, GC replaced by TT.
Protein change: p.Gln378Ter; replaces glutamine 378 with a stop codon.
Molecular consequence: nonsense. On other transcripts: non-coding transcript variant (4).
Genome position (GRCh38, 1-based): chr1:23,848,677-23,848,678, GC replaced by AA on the plus strand (GC replaced by TT on the coding strand, the reverse complement: FUCA1 is on the minus strand). VCF-style: chr1-23848677-GC-AA. GRCh37 (hg19) VCF-style: chr1-24175167-GC-AA.
Other names: short protein forms Q378*.
Identifiers: ClinVar variation 2711635 (VCV002711635.3), dbSNP rs2521634441, ClinGen allele CA2697552293.
Genomic context (GRCh38, chr1:23,848,677, plus strand): 5'-TGTTCTTACACACAACAGAAGACAAGACTCACCATACAGATGTTGTGTTCTTTTCCCATT[GC>AA]ACCCGCCATGGTTTGGAGGCATAGATAGCCTCCCCATTGATGCTCAGCCATTTCCCAACA-3'